The following is an entry in ClinVar:

ClinVar aggregate classification (germline): Uncertain significance (1 of 4 stars; one submission).

Submission:

GeneDx
Classification: Uncertain significance. Last evaluated: 2020-11-02. Review status: criteria provided, single submitter. Criteria: GeneDx Variant Classification Process June 2021. Collection method: clinical testing. Allele origin: germline. Affected: yes.
Comment: Not observed in large population cohorts (Lek et al., 2016); Nonsense variant predicted to result in protein truncation or nonsense mediated decay in a gene for which loss-of-function is not a known mechanism of disease; Has not been previously published as pathogenic or benign to our knowledge; Variants in candidate genes are classified as variants of uncertain significance in accordance with ACMG guidelines (Richards et al., 2015)

NM_020795.4(NLGN2):c.409C>T (p.Gln137Ter)

Gene: NLGN2 (neuroligin 2; plus strand). Cytogenetic location: 17p13.1.
Variant type: single nucleotide variant.
Coding change: c.409C>T on transcript NM_020795.4 (MANE Select); coding-DNA position 409, C replaced by T.
Protein change: p.Gln137Ter; replaces glutamine 137 with a stop codon.
Molecular consequence: nonsense.
Genome position (GRCh38, 1-based): chr17:7,408,664, C>T. VCF-style: chr17-7408664-C-T. GRCh37 (hg19) VCF-style: chr17-7311983-C-T.
Other names: short protein forms Q137*.
Identifiers: ClinVar variation 1316089 (VCV001316089.2), dbSNP rs746222843, ClinGen allele CA397815114.